The following is an entry in ClinVar:

NM_000203.5(IDUA):c.1167del (p.Met390fs)

Gene: IDUA (alpha-L-iduronidase; plus strand). Cytogenetic location: 4p16.3.
Variant type: Deletion.
Coding change: c.1167del on transcript NM_000203.5 (MANE Select); coding-DNA position 1167, one base deleted (C; older notation c.1167delC).
Protein change: p.Met390fs; shifts the reading frame from methionine 390.
Molecular consequence: frameshift variant. On other transcripts: non-coding transcript variant (1).
Genome position (GRCh38, 1-based): chr4:1,002,463, C deleted; the last of 2 consecutive C bases (chr4:1,002,462-1,002,463); deleting either gives the same sequence. VCF-style (leftmost placement, unchanged base first): chr4-1002461-GC-G. GRCh37 (hg19) VCF-style: chr4-996249-GC-G.
Other names: c.771del, p.Met258fs (NM_001363576.1); short protein forms M258fs, M390fs.
Identifiers: ClinVar variation 1369150 (VCV001369150.6), dbSNP rs2153022443, ClinGen allele CA2573137572.

ClinVar aggregate classification (germline): Pathogenic (1 of 4 stars; one submission).

Conditions:
Mucopolysaccharidosis type 1. Also called: IDUA deficiency; MPS I; Mucopolysaccharidosis Type I. Identifiers: Orphanet 579, MedGen C0023786, MONDO:0001586.

Submission:

Labcorp Genetics (formerly Invitae), Labcorp
Classification: Pathogenic for Mucopolysaccharidosis type 1. Last evaluated: 2021-07-21. Review status: criteria provided, single submitter. Criteria: Invitae Variant Classification Sherloc (09022015). Collection method: clinical testing. Allele origin: germline.
Comment: This variant has not been reported in the literature in individuals affected with IDUA-related conditions. For these reasons, this variant has been classified as Pathogenic. This variant is not present in population databases (ExAC no frequency). This sequence change creates a premature translational stop signal (p.Met390Trpfs*50) in the IDUA gene. It is expected to result in an absent or disrupted protein product. Loss-of-function variants in IDUA are known to be pathogenic (PMID: 11735025, 21480867).

Literature cited by the submitters: PubMed 11735025; PubMed 21480867.